The following is an entry in ClinVar:

ClinVar aggregate classification (germline): Likely benign. Review status: criteria provided, multiple submitters, no conflicts (2 of 4 stars). 2 submissions from 2 submitters: Likely benign (2). Last evaluated 2026-05-25.

Conditions:
Charcot-Marie-Tooth disease type 4. Also called: Charcot-Marie-Tooth disease, type IV; Charcot-Marie-Tooth, Type 4. Identifiers: Orphanet 64749, MedGen C4082197, MONDO:0018995.
SBF2-related disorder. Also called: SBF2-related condition.

gnomAD v4.1: 11 of 1,613,222 alleles (0.00068%); highest among the groups gnomAD compares: South Asian, 0.011%; no homozygotes.

Submissions (2):

PreventionGenetics, part of Exact Sciences
Classification: Likely benign for SBF2-related condition. Last evaluated: 2026-05-25. Review status: criteria provided, single submitter. Criteria: ACMG Guidelines, 2015. Collection method: clinical testing. Allele origin: germline.
Comment: This variant is classified as likely benign based on ACMG/AMP sequence variant interpretation guidelines (Richards et al. 2015 PMID: 25741868, with internal and published modifications).

Labcorp Genetics (formerly Invitae), Labcorp
Classification: Likely benign for Charcot-Marie-Tooth disease type 4. Last evaluated: 2024-02-17. Review status: criteria provided, single submitter. Criteria: Invitae Variant Classification Sherloc (09022015). Collection method: clinical testing. Allele origin: germline.

NM_030962.4(SBF2):c.372A>G (p.Val124=)

Gene: SBF2 (SET binding factor 2; minus strand). Cytogenetic location: 11p15.4.
Variant type: single nucleotide variant.
Coding change: c.372A>G on transcript NM_030962.4 (MANE Select); coding-DNA position 372, A replaced by G.
Protein change: p.Val124=; no amino-acid change (valine 124 retained).
Molecular consequence: synonymous variant.
Genome position (GRCh38, 1-based): chr11:10,031,078, T>C on the plus strand (A>G on the coding strand, the complement: SBF2 is on the minus strand). VCF-style: chr11-10031078-T-C. GRCh37 (hg19) VCF-style: chr11-10052625-T-C.
Other names: c.372A>G, p.Val124= (NM_001386339.1, NM_001386342.1); c.408A>G, p.Val136= (NM_001424318.1, NM_001425069.1, NM_001425070.1).
Identifiers: ClinVar variation 3618230 (VCV003618230.3).
Genomic context (GRCh38, chr11:10,031,078, plus strand): 5'-AATTAATAATGATAACTATGTGTTCTTTACCCTAAAAATTTCTGGATAATATAATCTGGA[T>C]ACCAACACCAGGCTTTTGGGAGCAAACACTTCTGCAGGCTGAATTAAACCAGACACTTTT-3'
Protein context (NP_112224.1, residues 114-134): EVFAPKSLVL[Val124=]SRLYYPEIFR